The following is an entry in ClinVar:

NM_212552.3(BOLA3):c.259-205A>T

Gene: BOLA3 (bolA family member 3; minus strand). Cytogenetic location: 2p13.1.
Variant type: single nucleotide variant.
Coding change: c.259-205A>T on transcript NM_212552.3 (MANE Select); 205 bases into the intron before coding-DNA position 259, A replaced by T.
Molecular consequence: intron variant.
Genome position (GRCh38, 1-based): chr2:74,135,863, T>A on the plus strand (A>T on the coding strand, the complement: BOLA3 is on the minus strand). VCF-style: chr2-74135863-T-A. GRCh37 (hg19) VCF-style: chr2-74362990-T-A.
Other names: c.170-205A>T (NM_001035505.2).
Identifiers: ClinVar variation 669781 (VCV000669781.1), dbSNP rs9789534, ClinGen allele CA15154207.

ClinVar aggregate classification (germline): Benign (1 of 4 stars; one submission).

Allele frequency attached by ClinVar (database versions not stated): gnomAD 0.21681 and 0.22175; TOPMed 0.24588; 1000 Genomes Project 30x 0.31355; 1000 Genomes Project 0.31569.
gnomAD v4.1: 33,748 of 151,990 alleles (22%); highest among the groups gnomAD compares: East Asian, 47%; 4,442 homozygotes.

Submission:

GeneDx
Classification: Benign. Last evaluated: 2018-06-14. Review status: criteria provided, single submitter. Criteria: GeneDx Variant Classification (06012015). Collection method: clinical testing. Allele origin: germline. Affected: yes.
Comment: This variant is considered likely benign or benign based on one or more of the following criteria: it is a conservative change, it occurs at a poorly conserved position in the protein, it is predicted to be benign by multiple in silico algorithms, and/or has population frequency not consistent with disease.